The following is an entry in ClinVar:

ClinVar aggregate classification (germline): Benign/Likely benign. Review status: criteria provided, multiple submitters, no conflicts (2 of 4 stars). 2 submissions from 2 submitters: Benign (1); Likely benign (1). Last evaluated 2026-04-16.

Conditions:
NOBOX-related disorder. Also called: NOBOX-related condition.
Premature ovarian failure 5 (POF5). Identifiers: MedGen C1969060, MONDO:0012689, OMIM 611548.

Allele frequency attached by ClinVar (database versions not stated): gnomAD exomes 0.00036 and 0.00111; ExAC 0.00212; gnomAD 0.00374 and 0.00384; TOPMed 0.00441; 1000 Genomes Project 30x 0.00937; 1000 Genomes Project 0.00958.
gnomAD v4.1: 1,084 of 1,536,878 alleles (0.071%); highest among the groups gnomAD compares: African/African-American, 1.3%; 3 homozygotes.

Submissions (2):

PreventionGenetics, part of Exact Sciences
Classification: Likely benign for NOBOX-related condition. Last evaluated: 2026-04-16. Review status: criteria provided, single submitter. Criteria: ACMG Guidelines, 2015. Collection method: clinical testing. Allele origin: germline.
Comment: This variant is classified as likely benign based on ACMG/AMP sequence variant interpretation guidelines (Richards et al. 2015 PMID: 25741868, with internal and published modifications).

Illumina Laboratory Services, Illumina
Classification: Benign for Premature ovarian failure 5. Last evaluated: 2018-01-13. Review status: criteria provided, single submitter. Criteria: ICSL Variant Classification Criteria 13 December 2019. Collection method: clinical testing. Allele origin: germline.
Comment: This variant was observed in the ICSL laboratory as part of a predisposition screen in an ostensibly healthy population. It had not been previously curated by ICSL or reported in the Human Gene Mutation Database (HGMD: prior to June 1st, 2018), and was therefore a candidate for classification through an automated scoring system. Utilizing variant allele frequency, disease prevalence and penetrance estimates, and inheritance mode, an automated score was calculated to assess if this variant is too frequent to cause the disease. Based on the score and internal cut-off values, a variant classified as benign is not then subjected to further curation. The score for this variant resulted in a classification of benign for this disease.

NM_001436401.1(NOBOX):c.1505C>T (p.Pro502Leu)

Gene: NOBOX (NOBOX oogenesis homeobox; minus strand). Cytogenetic location: 7q35.
Variant type: single nucleotide variant.
Coding change: c.1505C>T on transcript NM_001436401.1 (MANE Select); coding-DNA position 1505, C replaced by T.
Protein change: p.Pro502Leu; replaces proline 502 with leucine.
Molecular consequence: missense variant.
Genome position (GRCh38, 1-based): chr7:144,397,460, G>A on the plus strand (C>T on the coding strand, the complement: NOBOX is on the minus strand). VCF-style: chr7-144397460-G-A. GRCh37 (hg19) VCF-style: chr7-144094553-G-A.
Other names: NM_001080413.3:c.1856C>T; c.953C>T, p.Pro318Leu (NM_001436402.1); short protein forms P318L, P502L.
Identifiers: ClinVar variation 359134 (VCV000359134.6), dbSNP rs146227301, ClinGen allele CA4544498.